The following is an entry in ClinVar:

NC_000009.11:g.(?_271607)_(332498_?)dup

Gene: DOCK8 (dedicator of cytokinesis 8; plus strand). Cytogenetic location: 9p24.3.
Variant type: Duplication.
Identifiers: ClinVar variation 3245218 (VCV003245218.1).

ClinVar aggregate classification (germline): Likely pathogenic (1 of 4 stars; one submission).

Submission:

Labcorp Genetics (formerly Invitae), Labcorp
Classification: Likely pathogenic. Last evaluated: 2023-05-02. Review status: criteria provided, single submitter. Criteria: Invitae Variant Classification Sherloc (09022015). Collection method: clinical testing. Allele origin: unknown.
Comment: In summary, the currently available evidence indicates that the variant is pathogenic, but additional data are needed to prove that conclusively. Therefore, this variant has been classified as Likely Pathogenic. This variant has not been reported in the literature in individuals affected with DOCK8-related conditions. This variant results in a copy number gain of the genomic region encompassing exon(s) 2-10 of the DOCK8 gene. While the exact position of this variant cannot be determined from the data, sub-genic copy number gains are generally in tandem (PMID: 25640679). This variant is predicted to be out-of-frame, and may result in an absent or disrupted protein product. Loss-of-function variants in DOCK8 are known to be pathogenic (PMID: 14722525, 19776401).

Literature cited by the submitters: PubMed 25640679; PubMed 14722525; PubMed 19776401.